The following is an entry in ClinVar:

NM_000304.4(PMP22):c.335del (p.Ser112fs)

Gene: PMP22 (peripheral myelin protein 22; minus strand). Cytogenetic location: 17p12.
Variant type: Deletion.
Coding change: c.335del on transcript NM_000304.4 (MANE Select); coding-DNA position 335, one base deleted (G; older notation c.335delG).
Protein change: p.Ser112fs; shifts the reading frame from serine 112.
Molecular consequence: frameshift variant. On other transcripts: non-coding transcript variant (2).
Genome position (GRCh38, 1-based): chr17:15,231,065, C deleted on the plus strand (G on the coding strand, the reverse complement: PMP22 is on the minus strand). VCF-style (leftmost placement, unchanged base first): chr17-15231064-AC-A. GRCh37 (hg19) VCF-style: chr17-15134381-AC-A.
Other names: c.335del, p.Ser112fs (NM_001281455.2, NM_001281456.2, NM_153321.3 and 1 more transcripts); short protein forms S112fs.
Identifiers: ClinVar variation 938786 (VCV000938786.6), dbSNP rs1906294453, ClinGen allele CA1139665230.

ClinVar aggregate classification (germline): Pathogenic (1 of 4 stars; one submission).

Conditions:
Charcot-Marie-Tooth disease, type I (CMT1). Also called: Charcot-Marie-Tooth, Type 1; Charcot-Marie-Tooth disease type 1. Identifiers: Orphanet 65753, MedGen C0751036, MONDO:0019011.

Submission:

Labcorp Genetics (formerly Invitae), Labcorp
Classification: Pathogenic for Charcot-Marie-Tooth disease, type I. Last evaluated: 2023-10-03. Review status: criteria provided, single submitter. Criteria: Invitae Variant Classification Sherloc (09022015). Collection method: clinical testing. Allele origin: germline.
Comment: This sequence change creates a premature translational stop signal (p.Ser112Metfs*8) in the PMP22 gene. While this is not anticipated to result in nonsense mediated decay, it is expected to disrupt the last 49 amino acid(s) of the PMP22 protein. This variant is not present in population databases (gnomAD no frequency). This variant has not been reported in the literature in individuals affected with PMP22-related conditions. ClinVar contains an entry for this variant (Variation ID: 938786). This variant disrupts a region of the PMP22 protein in which other variant(s) (p.Leu145Argfs*10) have been determined to be pathogenic (PMID: 21149811, 21252112, 23965407). This suggests that this is a clinically significant region of the protein, and that variants that disrupt it are likely to be disease-causing. For these reasons, this variant has been classified as Pathogenic.

Literature cited by the submitters: PubMed 21149811; PubMed 21252112; PubMed 23965407.